The following is an entry in ClinVar:

ClinVar aggregate classification (germline): Likely benign (1 of 4 stars; one submission).

Submission:

CeGaT Center for Human Genetics Tuebingen
Classification: Likely benign. Last evaluated: 2024-01-01. Review status: criteria provided, single submitter. Criteria: CeGaT Center For Human Genetics Tuebingen Variant Classification Criteria Version 2. Collection method: clinical testing. Allele origin: germline. Affected: yes. Observed: 3 variant alleles.
Comment: TEX13C: BP4, BS2

NM_001195272.2(TEX13C):c.1543C>A (p.Leu515Met)

Gene: TEX13C (TEX13 family member C; plus strand). Cytogenetic location: Xq25.
Variant type: single nucleotide variant.
Coding change: c.1543C>A on transcript NM_001195272.2 (MANE Select); coding-DNA position 1543, C replaced by A.
Protein change: p.Leu515Met; replaces leucine 515 with methionine.
Molecular consequence: missense variant.
Genome position (GRCh38, 1-based): chrX:125,321,662, C>A. VCF-style: chrX-125321662-C-A. GRCh37 (hg19) VCF-style: chrX-124455511-C-A.
Other names: short protein forms L515M.
Identifiers: ClinVar variation 2661375 (VCV002661375.24), dbSNP rs3135231, ClinGen allele CA10510604.